The following is an entry in ClinVar:

ClinVar aggregate classification (germline): Uncertain significance (1 of 4 stars; one submission).

Conditions:
Arrhythmogenic right ventricular dysplasia 10. Also called: Arrhythmogenic right ventricular dysplasia/cardiomyopathy, type 10; Arrhythmogenic Right Ventricular Dysplasia/Cardiomyopathy10; ARRHYTHMOGENIC RIGHT VENTRICULAR DYSPLASIA, FAMILIAL, 10. Identifiers: MedGen C1857777, MONDO:0012434, OMIM 610193.

gnomAD v4.1: 2 of 1,613,998 alleles (0.00012%); highest among the groups gnomAD compares: Admixed American, 0.0033%; no homozygotes.

Submission:

Labcorp Genetics (formerly Invitae), Labcorp
Classification: Uncertain significance for Arrhythmogenic right ventricular dysplasia 10. Last evaluated: 2025-03-24. Review status: criteria provided, single submitter. Criteria: Invitae Variant Classification Sherloc (09022015). Collection method: clinical testing. Allele origin: germline.
Comment: This sequence change replaces threonine, which is neutral and polar, with lysine, which is basic and polar, at codon 745 of the DSG2 protein (p.Thr745Lys). This variant is present in population databases (rs727504783, gnomAD 0.003%). This variant has not been reported in the literature in individuals affected with DSG2-related conditions. Invitae Evidence Modeling of protein sequence and biophysical properties (such as structural, functional, and spatial information, amino acid conservation, physicochemical variation, residue mobility, and thermodynamic stability) indicates that this missense variant is not expected to disrupt DSG2 protein function with a negative predictive value of 95%. In summary, the available evidence is currently insufficient to determine the role of this variant in disease. Therefore, it has been classified as a Variant of Uncertain Significance.

NM_001943.5(DSG2):c.2234C>A (p.Thr745Lys)

Genes: DSG2 (desmoglein 2; plus strand), DSG2-AS1 (DSG2 antisense RNA 1; minus strand). Cytogenetic location: 18q12.1.
Variant type: single nucleotide variant.
Coding change: c.2234C>A on transcript NM_001943.5 (MANE Select); coding-DNA position 2234, C replaced by A.
Protein change: p.Thr745Lys; replaces threonine 745 with lysine.
Molecular consequence: missense variant.
Genome position (GRCh38, 1-based): chr18:31,542,752, C>A. VCF-style: chr18-31542752-C-A. GRCh37 (hg19) VCF-style: chr18-29122715-C-A.
Other names: short protein forms T745K.
Identifiers: ClinVar variation 4746601 (VCV004746601.1).